The following is an entry in ClinVar:

ClinVar aggregate classification (germline): Pathogenic (1 of 4 stars; one submission).

Conditions:
Marfan syndrome (MFS). Also called: FBN1-Related Marfan Syndrome; Marfan syndrome type 1; Marfan's syndrome; Marfan syndrome, classic; MARFAN SYNDROME, TYPE I. Identifiers: Orphanet 284963, Orphanet 558, MedGen C0024796, MONDO:0007947, OMIM 154700.

Submission:

Petrovsky National Research Centre of Surgery, The Federal Agency for Scientific Organizations
Classification: Pathogenic for Marfan syndrome. Last evaluated: 2019-08-29. Review status: criteria provided, single submitter. Criteria: ACMG Guidelines, 2015. Collection method: clinical testing. Allele origin: unknown. Inheritance: Autosomal dominant inheritance. Affected: yes. Observed: 1 heterozygote.
Comment: There are two known missense variants at 739 codon (C739R, C739F) that were found in patients with MFS (PMID: 19293843; UMD-FBN1 ID: 2376). Cysteine residue located in cbEGF-like domain and participates in Disulfide bonds 727-739. Cysteine substitutions in EGF domains are common pathogenic mechanisms of the disease (PMID: 1301946, 15161917). Computational tools like Provean, SIFT, PolyPhen2 show deleterious effect. Additionally, near codons (C734, G737, Y746) are known mutation spots associated with MFS (PMID: 7611299, 12203987, 20564469). This suggests high importance of this region. Based on new evidences we evaluate C739W variant as Pathogenic.

NM_000138.5(FBN1):c.2217T>G (p.Cys739Trp)

Gene: FBN1 (fibrillin 1; minus strand). Cytogenetic location: 15q21.1.
Variant type: single nucleotide variant.
Coding change: c.2217T>G on transcript NM_000138.5 (MANE Select); coding-DNA position 2217, T replaced by G.
Protein change: p.Cys739Trp; replaces cysteine 739 with tryptophan.
Molecular consequence: missense variant.
Genome position (GRCh38, 1-based): chr15:48,497,342, A>C on the plus strand (T>G on the coding strand, the complement: FBN1 is on the minus strand). VCF-style: chr15-48497342-A-C. GRCh37 (hg19) VCF-style: chr15-48789539-A-C.
Other names: short protein forms C739W.
Identifiers: ClinVar variation 638563 (VCV000638563.4), dbSNP rs1008275504, ClinGen allele CA392335746.
Genomic context (GRCh38, chr15:48,497,342, plus strand): 5'-AGTTGAATCCACTTCATATCCTGAATTGCATATACATTTATAGGTCCCACGAAGGTTTTC[A>C]CAGATTCCATTTGGGCAAATATCAGGATCTAGTGCACATTCATTTATATCTGCACCACAA-3'
Protein context (NP_000129.3, residues 729-749): LDPDICPNGI[Cys739Trp]ENLRGTYKCI